The following is an entry in ClinVar:

ClinVar aggregate classification (germline): Uncertain significance. Review status: criteria provided, multiple submitters, no conflicts (2 of 4 stars). 3 submissions from 3 submitters: Uncertain significance (3). Last evaluated 2024-10-12.

Conditions:
Dyskeratosis congenita. Identifiers: Orphanet 1775, MedGen C0265965, MONDO:0015780.
Idiopathic Pulmonary Fibrosis. Also called: Idiopathic fibrosing alveolitis, chronic form; idiopathic fibrosing alveolitis. Identifiers: Orphanet 2032, MedGen C1800706, MeSH D054990, MONDO:0800504.
Dyskeratosis congenita, autosomal dominant 2. Identifiers: MedGen C3151443, MONDO:0013521, OMIM 613989.

Allele frequency attached by ClinVar (database versions not stated): gnomAD exomes below 0.00001; TOPMed 0.00001.
gnomAD v4.1: 2 of 1,614,146 alleles (0.00012%); highest among the groups gnomAD compares: Admixed American, 0.0017%; no homozygotes.

Submissions (3):

Ambry Genetics
Classification: Uncertain significance for Dyskeratosis congenita. Last evaluated: 2024-10-12. Review status: criteria provided, single submitter. Criteria: Ambry Variant Classification Scheme 2023. Collection method: clinical testing. Allele origin: germline.
Comment: The p.K757R variant (also known as c.2270A>G), located in coding exon 6 of the TERT gene, results from an A to G substitution at nucleotide position 2270. The lysine at codon 757 is replaced by arginine, an amino acid with highly similar properties. This amino acid position is conserved. In addition, this alteration is predicted to be tolerated by in silico analysis. Based on the available evidence, the clinical significance of this variant remains unclear.

Revvity Omics, Revvity
Classification: Uncertain significance. Last evaluated: 2022-05-19. Review status: criteria provided, single submitter. Criteria: ACMG Guidelines, 2015. Collection method: clinical testing. Allele origin: germline.

Labcorp Genetics (formerly Invitae), Labcorp
Classification: Uncertain significance for Dyskeratosis congenita, autosomal dominant 2; Idiopathic Pulmonary Fibrosis. Last evaluated: 2020-03-12. Review status: criteria provided, single submitter. Criteria: Invitae Variant Classification Sherloc (09022015). Collection method: clinical testing. Allele origin: germline.
Comment: Algorithms developed to predict the effect of missense changes on protein structure and function output the following: SIFT: "Deleterious"; PolyPhen-2: "Benign"; Align-GVGD: "Class C0". The arginine amino acid residue is found in multiple mammalian species, suggesting that this missense change does not adversely affect protein function. These predictions have not been confirmed by published functional studies and their clinical significance is uncertain. This sequence change replaces lysine with arginine at codon 757 of the TERT protein (p.Lys757Arg). The lysine residue is highly conserved and there is a small physicochemical difference between lysine and arginine. This variant is not present in population databases (ExAC no frequency). This variant has not been reported in the literature in individuals with TERT-related conditions. Algorithms developed to predict the effect of sequence changes on RNA splicing suggest that this variant may create or strengthen a splice site, but this prediction has not been confirmed by published transcriptional studies. In summary, the available evidence is currently insufficient to determine the role of this variant in disease. Therefore, it has been classified as a Variant of Uncertain Significance.

NM_198253.3(TERT):c.2270A>G (p.Lys757Arg)

Gene: TERT (telomerase reverse transcriptase; minus strand). Cytogenetic location: 5p15.33.
Variant type: single nucleotide variant.
Coding change: c.2270A>G on transcript NM_198253.3 (MANE Select); coding-DNA position 2270, A replaced by G.
Protein change: p.Lys757Arg; replaces lysine 757 with arginine.
Molecular consequence: missense variant. On other transcripts: non-coding transcript variant (2).
Genome position (GRCh38, 1-based): chr5:1,278,657, T>C on the plus strand (A>G on the coding strand, the complement: TERT is on the minus strand). VCF-style: chr5-1278657-T-C. GRCh37 (hg19) VCF-style: chr5-1278772-T-C.
Other names: c.2270A>G, p.Lys757Arg (NM_001193376.3); short protein forms K757R.
Identifiers: ClinVar variation 852831 (VCV000852831.14), dbSNP rs1187645843, ClinGen allele CA359078821.